The following is an entry in ClinVar:

ClinVar aggregate classification (germline): Uncertain significance (1 of 4 stars; one submission).

Conditions:
ARMC5-related disorder. Also called: ARMC5-related condition.

Allele frequency attached by ClinVar (database versions not stated): TOPMed below 0.00001.

Submission:

PreventionGenetics, part of Exact Sciences
Classification: Uncertain significance for ARMC5-related condition. Last evaluated: 2023-08-02. Review status: criteria provided, single submitter. Criteria: ACMG Guidelines, 2015. Collection method: clinical testing. Allele origin: germline.
Comment: The ARMC5 c.754C>T variant is predicted to result in the amino acid substitution p.Pro252Ser. To our knowledge, this variant has not been reported in the literature or in a large population database, indicating this variant is rare. At this time, the clinical significance of this variant is uncertain due to the absence of conclusive functional and genetic evidence.

NM_001105247.2(ARMC5):c.469C>T (p.Pro157Ser)

Genes: ARMC5 (armadillo repeat containing 5; plus strand), LOC130058906 (ATAC-STARR-seq lymphoblastoid silent region 7419; plus strand). Cytogenetic location: 16p11.2.
Variant type: single nucleotide variant.
Coding change: c.469C>T on transcript NM_001105247.2 (MANE Select); coding-DNA position 469, C replaced by T.
Protein change: p.Pro157Ser; replaces proline 157 with serine.
Molecular consequence: missense variant.
Genome position (GRCh38, 1-based): chr16:31,459,993, C>T. VCF-style: chr16-31459993-C-T. GRCh37 (hg19) VCF-style: chr16-31471314-C-T.
Other names: c.754C>T, p.Pro252Ser (NM_001288767.2); c.565C>T, p.Pro189Ser (NM_001301820.1); c.469C>T, p.Pro157Ser (NM_024742.2); c.754C>T (NM_001288767.1); short protein forms P157S, P252S, P189S.
Identifiers: ClinVar variation 2631770 (VCV002631770.1), dbSNP rs267604526, ClinGen allele CA280638407.